The following is an entry in ClinVar:

ClinVar aggregate classification (germline): Uncertain significance (1 of 4 stars; one submission).

gnomAD v4.1: 13 of 1,611,680 alleles (0.00081%); highest among the groups gnomAD compares: African/African-American, 0.015%; no homozygotes.

Submission:

Labcorp Genetics (formerly Invitae), Labcorp
Classification: Uncertain significance. Last evaluated: 2024-10-10. Review status: criteria provided, single submitter. Criteria: Invitae Variant Classification Sherloc (09022015). Collection method: clinical testing. Allele origin: germline.
Comment: This sequence change replaces aspartic acid, which is acidic and polar, with tyrosine, which is neutral and polar, at codon 1099 of the ANK3 protein (p.Asp1099Tyr). This variant is present in population databases (rs148706376, gnomAD 0.02%). This variant has not been reported in the literature in individuals affected with ANK3-related conditions. Invitae Evidence Modeling of protein sequence and biophysical properties (such as structural, functional, and spatial information, amino acid conservation, physicochemical variation, residue mobility, and thermodynamic stability) has been performed for this missense variant. However, the output from this modeling did not meet the statistical confidence thresholds required to predict the impact of this variant on ANK3 protein function. In summary, the available evidence is currently insufficient to determine the role of this variant in disease. Therefore, it has been classified as a Variant of Uncertain Significance.

NM_020987.5(ANK3):c.3295G>T (p.Asp1099Tyr)

Gene: ANK3 (ankyrin 3; minus strand). Cytogenetic location: 10q21.2.
Variant type: single nucleotide variant.
Coding change: c.3295G>T on transcript NM_020987.5 (MANE Select); coding-DNA position 3295, G replaced by T.
Protein change: p.Asp1099Tyr; replaces aspartic acid 1099 with tyrosine.
Molecular consequence: missense variant.
Genome position (GRCh38, 1-based): chr10:60,105,938, C>A on the plus strand (G>T on the coding strand, the complement: ANK3 is on the minus strand). VCF-style: chr10-60105938-C-A. GRCh37 (hg19) VCF-style: chr10-61865696-C-A.
Other names: c.697G>T, p.Asp233Tyr (NM_001149.4); c.3277G>T, p.Asp1093Tyr (NM_001204403.2); c.3298G>T, p.Asp1100Tyr (NM_001204404.2); c.3295G>T, p.Asp1099Tyr (NM_001320874.2); short protein forms D1093Y, D1099Y, D1100Y, D233Y.
Identifiers: ClinVar variation 3620054 (VCV003620054.2).